The following is an entry in ClinVar:

NM_001079.4(ZAP70):c.1623+7G>A

Gene: ZAP70 (zeta chain of T cell receptor associated protein kinase 70; plus strand). Cytogenetic location: 2q11.2.
Variant type: single nucleotide variant.
Coding change: c.1623+7G>A on transcript NM_001079.4 (MANE Select); 7 bases into the intron after coding-DNA position 1623, G replaced by A.
Molecular consequence: intron variant.
Genome position (GRCh38, 1-based): chr2:97,737,904, G>A. VCF-style: chr2-97737904-G-A. GRCh37 (hg19) VCF-style: chr2-98354367-G-A.
Other names: c.1623+7G>A (NM_001378594.1); c.702+7G>A (NM_207519.2).
Identifiers: ClinVar variation 538574 (VCV000538574.15), dbSNP rs56065241, ClinGen allele CA1790507.

ClinVar aggregate classification (germline): Benign/Likely benign. Review status: criteria provided, multiple submitters, no conflicts (2 of 4 stars). 3 submissions from 3 submitters: Benign (1); Likely benign (1). 1 of the submissions does not count toward it. Last evaluated 2026-01-30.

Conditions:
ZAP70-related disorder. Also called: ZAP70-related condition.
Combined immunodeficiency due to ZAP70 deficiency (IMD48). Also called: Immunodeficiency 48; ZAP70 Deficiency. Identifiers: Orphanet 911, MedGen C2931299, MONDO:0010023, OMIM 269840.

Allele frequency attached by ClinVar (database versions not stated): 1000 Genomes Project 0.00140; ESP Exome Variant Server 0.00269; gnomAD exomes 0.00044; ExAC 0.00052; gnomAD 0.00182 and 0.00195; TOPMed 0.00211; 1000 Genomes Project 30x 0.00172.
gnomAD v4.1: 539 of 1,614,110 alleles (0.033%); highest among the groups gnomAD compares: African/African-American, 0.62%; 1 homozygote.

Submissions (3):

Labcorp Genetics (formerly Invitae), Labcorp
Classification: Benign for Combined immunodeficiency due to ZAP70 deficiency. Last evaluated: 2026-01-30. Review status: criteria provided, single submitter. Criteria: Invitae Variant Classification Sherloc (09022015). Collection method: clinical testing. Allele origin: germline.

Blueprint Genetics
Classification: Likely benign. Last evaluated: 2024-07-16. Review status: criteria provided, single submitter. Criteria: ACMG Guidelines, 2015. Collection method: clinical testing. Allele origin: germline.

PreventionGenetics, part of Exact Sciences
Classification: Likely benign for ZAP70-related condition. Last evaluated: 2019-04-25. Review status: no assertion criteria provided. Collection method: clinical testing. Allele origin: germline. Not counted in ClinVar's aggregate classification.
Comment: This variant is classified as likely benign based on ACMG/AMP sequence variant interpretation guidelines (Richards et al. 2015 PMID: 25741868, with internal and published modifications).